The following is an entry in ClinVar:

ClinVar aggregate classification (germline): Uncertain significance. Review status: criteria provided, multiple submitters, no conflicts (2 of 4 stars). 2 submissions from 2 submitters: Uncertain significance (2). Last evaluated 2024-01-15.

Conditions:
Xanthinuria type II. Also called: Xanthine dehydrogenase and aldehyde oxidase combined deficiency of; XDH and AOX dual deficiency. Identifiers: Orphanet 3467, Orphanet 93602, MedGen C1863688, MONDO:0011346, OMIM 603592.
Hereditary xanthinuria type 1 (XAN1). Identifiers: Orphanet 3467, Orphanet 93601, MedGen C0268118, MONDO:0010209, OMIM 278300.

Allele frequency attached by ClinVar (database versions not stated): ExAC 0.00009; ESP Exome Variant Server 0.00015.
gnomAD v4.1: 235 of 1,613,956 alleles (0.015%); highest among the groups gnomAD compares: Non-Finnish European, 0.019%; no homozygotes.

Submissions (2):

Fulgent Genetics
Classification: Uncertain significance for Hereditary xanthinuria type 1. Last evaluated: 2024-01-15. Review status: criteria provided, single submitter. Criteria: ACMG Guidelines, 2015. Collection method: clinical testing. Allele origin: germline.

Labcorp Genetics (formerly Invitae), Labcorp
Classification: Uncertain significance for Xanthinuria type II. Last evaluated: 2023-08-09. Review status: criteria provided, single submitter. Criteria: Invitae Variant Classification Sherloc (09022015). Collection method: clinical testing. Allele origin: germline.
Comment: In summary, the available evidence is currently insufficient to determine the role of this variant in disease. Therefore, it has been classified as a Variant of Uncertain Significance. An algorithm developed to predict the effect of missense changes on protein structure and function (PolyPhen-2) suggests that this variant is likely to be disruptive. This variant has not been reported in the literature in individuals affected with XDH-related conditions. This variant is present in population databases (rs149487595, gnomAD 0.02%). This sequence change replaces arginine, which is basic and polar, with cysteine, which is neutral and slightly polar, at codon 233 of the XDH protein (p.Arg233Cys).

NM_000379.4(XDH):c.697C>T (p.Arg233Cys)

Gene: XDH (xanthine dehydrogenase; minus strand). Cytogenetic location: 2p23.1.
Variant type: single nucleotide variant.
Coding change: c.697C>T on transcript NM_000379.4 (MANE Select); coding-DNA position 697, C replaced by T.
Protein change: p.Arg233Cys; replaces arginine 233 with cysteine.
Molecular consequence: missense variant.
Genome position (GRCh38, 1-based): chr2:31,386,510, G>A on the plus strand (C>T on the coding strand, the complement: XDH is on the minus strand). VCF-style: chr2-31386510-G-A. GRCh37 (hg19) VCF-style: chr2-31609376-G-A.
Other names: short protein forms R233C.
Identifiers: ClinVar variation 2769500 (VCV002769500.2), dbSNP rs149487595, ClinGen allele CA1599515.